The following is an entry in ClinVar:

NM_001005273.3(CHD3):c.3559C>G (p.Arg1187Gly)

Gene: CHD3 (chromodomain helicase DNA binding protein 3; plus strand). Cytogenetic location: 17p13.1.
Variant type: single nucleotide variant.
Coding change: c.3559C>G on transcript NM_001005273.3 (MANE Select); coding-DNA position 3559, C replaced by G.
Protein change: p.Arg1187Gly; replaces arginine 1187 with glycine.
Molecular consequence: missense variant.
Genome position (GRCh38, 1-based): chr17:7,903,335, C>G. VCF-style: chr17-7903335-C-G. GRCh37 (hg19) VCF-style: chr17-7806653-C-G.
Other names: c.3736C>G (NM_001005271.2); c.3736C>G, p.Arg1246Gly (NM_001005271.3); c.3559C>G, p.Arg1187Gly (NM_005852.4); short protein forms R1187G, R1246G.
Identifiers: ClinVar variation 3342107 (VCV003342107.17).

ClinVar aggregate classification (germline): Pathogenic/Likely pathogenic. Review status: criteria provided, multiple submitters, no conflicts (2 of 4 stars). 2 submissions from 2 submitters: Pathogenic (1); Likely pathogenic (1). Last evaluated 2024-08-01.

Submissions (2):

CeGaT Center for Human Genetics Tuebingen
Classification: Likely pathogenic. Last evaluated: 2024-08-01. Review status: criteria provided, single submitter. Criteria: CeGaT Center For Human Genetics Tuebingen Variant Classification Criteria Version 2. Collection method: clinical testing. Allele origin: germline. Affected: yes. Observed: 1 variant allele.
Comment: CHD3: PM2, PS2:Moderate, PM5:Supporting, PP2, PP3

GeneDx
Classification: Pathogenic. Last evaluated: 2024-05-06. Review status: criteria provided, single submitter. Criteria: GeneDx Variant Classification Process June 2021. Collection method: clinical testing. Allele origin: germline. Affected: yes.
Comment: Not observed at significant frequency in large population cohorts (gnomAD); In silico analysis supports that this missense variant has a deleterious effect on protein structure/function; Has not been previously published as pathogenic or benign to our knowledge